The following is an entry in ClinVar:

NM_033100.4(CDHR1):c.2278A>G (p.Ser760Gly)

Gene: CDHR1 (cadherin related family member 1; plus strand). Cytogenetic location: 10q23.1.
Variant type: single nucleotide variant.
Coding change: c.2278A>G on transcript NM_033100.4 (MANE Select); coding-DNA position 2278, A replaced by G.
Protein change: p.Ser760Gly; replaces serine 760 with glycine.
Molecular consequence: missense variant. On other transcripts: intron variant (1).
Genome position (GRCh38, 1-based): chr10:84,214,319, A>G. VCF-style: chr10-84214319-A-G. GRCh37 (hg19) VCF-style: chr10-85974075-A-G.
Other names: c.2040+971A>G (NM_001171971.3); short protein forms S760G.
Identifiers: ClinVar variation 1467715 (VCV001467715.6), dbSNP rs2132837431, ClinGen allele CA377379702.
Genomic context (GRCh38, chr10:84,214,319, plus strand): 5'-CTCCGCAAGCGGCCCAGCCCTGCGCCCCGCACCATCCGCATTGAGTGGCTCAAGTCCAAG[A>G]GCACCAAAGCCGCTACCAAGTTCATGCTCAAAGAGAAACCTCCCAATGAGAACTGTAACA-3'
Protein context (NP_149091.1, residues 750-770): TIRIEWLKSK[Ser760Gly]TKAATKFMLK

ClinVar aggregate classification (germline): Uncertain significance (1 of 4 stars; one submission).

Allele frequency attached by ClinVar (database versions not stated): gnomAD exomes below 0.00001.

Submission:

Labcorp Genetics (formerly Invitae), Labcorp
Classification: Uncertain significance. Last evaluated: 2021-08-04. Review status: criteria provided, single submitter. Criteria: Invitae Variant Classification Sherloc (09022015). Collection method: clinical testing. Allele origin: germline.
Comment: Advanced modeling of protein sequence and biophysical properties (such as structural, functional, and spatial information, amino acid conservation, physicochemical variation, residue mobility, and thermodynamic stability) performed at Invitae indicates that this missense variant is not expected to disrupt CDHR1 protein function. In summary, the available evidence is currently insufficient to determine the role of this variant in disease. Therefore, it has been classified as a Variant of Uncertain Significance. This variant has not been reported in the literature in individuals affected with CDHR1-related conditions. This variant is not present in population databases (ExAC no frequency). This sequence change replaces serine with glycine at codon 760 of the CDHR1 protein (p.Ser760Gly). The serine residue is weakly conserved and there is a small physicochemical difference between serine and glycine.